The following is an entry in ClinVar:

ClinVar aggregate classification (germline): Uncertain significance (1 of 4 stars; one submission).

Conditions:
Developmental and epileptic encephalopathy, 23 (DEE23). Also called: Epileptic encephalopathy, early infantile, 23. Identifiers: Orphanet 411986, MedGen C4014492, MONDO:0014371, OMIM 615859.

Submission:

Labcorp Genetics (formerly Invitae), Labcorp
Classification: Uncertain significance for Developmental and epileptic encephalopathy, 23. Last evaluated: 2022-03-19. Review status: criteria provided, single submitter. Criteria: Invitae Variant Classification Sherloc (09022015). Collection method: clinical testing. Allele origin: germline.
Comment: Algorithms developed to predict the effect of missense changes on protein structure and function (SIFT, PolyPhen-2, Align-GVGD) all suggest that this variant is likely to be tolerated. In summary, the available evidence is currently insufficient to determine the role of this variant in disease. Therefore, it has been classified as a Variant of Uncertain Significance. ClinVar contains an entry for this variant (Variation ID: 856015). This variant has not been reported in the literature in individuals affected with DOCK7-related conditions. This variant is not present in population databases (gnomAD no frequency). This sequence change replaces glutamine, which is neutral and polar, with glutamic acid, which is acidic and polar, at codon 2095 of the DOCK7 protein (p.Gln2095Glu).

NM_001367561.1(DOCK7):c.6316C>G (p.Gln2106Glu)

Gene: DOCK7 (dedicator of cytokinesis 7; minus strand). Cytogenetic location: 1p31.3.
Variant type: single nucleotide variant.
Coding change: c.6316C>G on transcript NM_001367561.1 (MANE Select); coding-DNA position 6316, C replaced by G.
Protein change: p.Gln2106Glu; replaces glutamine 2106 with glutamic acid.
Molecular consequence: missense variant.
Genome position (GRCh38, 1-based): chr1:62,457,602, G>C on the plus strand (C>G on the coding strand, the complement: DOCK7 is on the minus strand). VCF-style: chr1-62457602-G-C. GRCh37 (hg19) VCF-style: chr1-62923273-G-C.
Other names: c.6283C>G, p.Gln2095Glu (NM_001271999.2); c.6196C>G, p.Gln2066Glu (NM_001272000.2); c.6190C>G, p.Gln2064Glu (NM_001272001.2); c.6289C>G, p.Gln2097Glu (NM_001330614.2); c.6223C>G, p.Gln2075Glu (NM_033407.4); short protein forms Q2097E, Q2066E, Q2106E, Q2064E, Q2075E, Q2095E.
Identifiers: ClinVar variation 856015 (VCV000856015.10), dbSNP rs1645383270, ClinGen allele CA340598840.
Genomic context (GRCh38, chr1:62,457,602, plus strand): 5'-GGCAGGTGACAGGCAATACTGCCTTGTATAACTGAGGGATCTTTCTGTTGATCAGTGGCT[G>C]TAGGGCCTCTTTAAGGCGATGATAGTTTCTCTCCAGTTCCCTTTGATACTCCTTTTGATC-3'
Protein context (NP_001354490.1, residues 2096-2116): RNYHRLKEAL[Gln2106Glu]PLINRKIPQL